The following is an entry in ClinVar:

ClinVar aggregate classification (germline): Benign/Likely benign. Review status: criteria provided, multiple submitters, no conflicts (2 of 4 stars). 3 submissions from 3 submitters: Benign (2); Likely benign (1). Last evaluated 2023-07-07.

Conditions:
X-linked lymphoproliferative disease due to SH2D1A deficiency (XLP1). Also called: EBV infection severe susceptibility to; Epstein Barr virus infection familial fatal; Duncan's syndrome; DUNCAN DISEASE; IMMUNODEFICIENCY 5; IMMUNODEFICIENCY, X-LINKED PROGRESSIVE COMBINED VARIABLE. Identifiers: Orphanet 2442, Orphanet 538931, MedGen C5399825, MONDO:0024551, OMIM 308240.

Allele frequency attached by ClinVar (database versions not stated): TOPMed 0.00051; gnomAD 0.00059 and 0.00068; 1000 Genomes Project 30x 0.00062; gnomAD exomes 0.00067; 1000 Genomes Project 0.00079.
gnomAD v4.1: 785 of 1,146,915 alleles (0.068%); highest among the groups gnomAD compares: Middle Eastern, 1.4%; 1 homozygote.

Submissions (3):

KCCC/NGS Laboratory, Kuwait Cancer Control Center
Classification: Likely benign for X-linked lymphoproliferative disease due to SH2D1A deficiency. Last evaluated: 2023-07-07. Review status: criteria provided, single submitter. Criteria: ACMG Guidelines, 2015. Collection method: clinical testing. Allele origin: germline. Affected: yes.

Illumina Laboratory Services, Illumina
Classification: Benign for X-linked lymphoproliferative disease due to SH2D1A deficiency. Last evaluated: 2018-01-12. Review status: criteria provided, single submitter. Criteria: ICSL Variant Classification Criteria 13 December 2019. Collection method: clinical testing. Allele origin: germline.
Comment: This variant was observed in the ICSL laboratory as part of a predisposition screen in an ostensibly healthy population. It had not been previously curated by ICSL or reported in the Human Gene Mutation Database (HGMD: prior to June 1st, 2018), and was therefore a candidate for classification through an automated scoring system. Utilizing variant allele frequency, disease prevalence and penetrance estimates, and inheritance mode, an automated score was calculated to assess if this variant is too frequent to cause the disease. Based on the score and internal cut-off values, a variant classified as benign is not then subjected to further curation. The score for this variant resulted in a classification of benign for this disease.

Breakthrough Genomics
Classification: Benign. Review status: criteria provided, single submitter. Criteria: ACMG Guidelines, 2015. Collection method: not provided. Allele origin: germline. Inheritance: X-linked inheritance. Affected: yes.

NM_002351.5(SH2D1A):c.-74T>A

Gene: SH2D1A (SH2 domain containing 1A; plus strand). Cytogenetic location: Xq25.
Variant type: single nucleotide variant.
Coding change: c.-74T>A on transcript NM_002351.5 (MANE Select); 74 bases upstream of the start codon, T replaced by A.
Molecular consequence: 5 prime UTR variant.
Genome position (GRCh38, 1-based): chrX:124,346,569, T>A. VCF-style: chrX-124346569-T-A. GRCh37 (hg19) VCF-style: chrX-123480419-T-A.
Other names: c.-74T>A (NM_001114937.3).
Identifiers: ClinVar variation 367870 (VCV000367870.7), dbSNP rs142160401, ClinGen allele CA10651672.